The following is an entry in ClinVar:

NM_005334.3(HCFC1):c.2290G>A (p.Gly764Ser)

Gene: HCFC1 (host cell factor C1; minus strand). Cytogenetic location: Xq28.
Variant type: single nucleotide variant.
Coding change: c.2290G>A on transcript NM_005334.3 (MANE Select); coding-DNA position 2290, G replaced by A.
Protein change: p.Gly764Ser; replaces glycine 764 with serine.
Molecular consequence: missense variant.
Genome position (GRCh38, 1-based): chrX:153,957,377, C>T on the plus strand (G>A on the coding strand, the complement: HCFC1 is on the minus strand). VCF-style: chrX-153957377-C-T. GRCh37 (hg19) VCF-style: chrX-153222828-C-T.
Other names: c.2290G>A, p.Gly764Ser (NM_001410705.1, NM_001440843.1, NM_001440844.1 and 5 more transcripts); c.2092G>A, p.Gly698Ser (NM_001440850.1, NM_001440851.1); short protein forms G764S, G698S.
Identifiers: ClinVar variation 4769895 (VCV004769895.1).

ClinVar aggregate classification (germline): Uncertain significance (1 of 4 stars; one submission).

Conditions:
Methylmalonic acidemia with homocystinuria, type cblX (MAHCX). Also called: INTELLECTUAL DEVELOPMENTAL DISORDER, X-LINKED 3. Identifiers: Orphanet 369962, MedGen C0796208, MONDO:0010657, OMIM 309541.

gnomAD v4.1: 11 of 1,208,133 alleles (0.00091%); highest among the groups gnomAD compares: Non-Finnish European, 0.0012%; no homozygotes.

Submission:

Labcorp Genetics (formerly Invitae), Labcorp
Classification: Uncertain significance for Methylmalonic acidemia with homocystinuria, type cblX. Last evaluated: 2025-12-22. Review status: criteria provided, single submitter. Criteria: Invitae Variant Classification Sherloc (09022015). Collection method: clinical testing. Allele origin: germline.
Comment: This sequence change replaces glycine, which is neutral and non-polar, with serine, which is neutral and polar, at codon 764 of the HCFC1 protein (p.Gly764Ser). This variant is not present in population databases (gnomAD no frequency). This variant has not been reported in the literature in individuals affected with HCFC1-related conditions. An algorithm developed to predict the effect of missense changes on protein structure and function (PolyPhen-2) suggests that this variant is likely to be disruptive. In summary, the available evidence is currently insufficient to determine the role of this variant in disease. Therefore, it has been classified as a Variant of Uncertain Significance.